The following is an entry in ClinVar:

ClinVar aggregate classification (germline): Uncertain significance (1 of 4 stars; one submission).

Submission:

Labcorp Genetics (formerly Invitae), Labcorp
Classification: Uncertain significance. Last evaluated: 2023-10-05. Review status: criteria provided, single submitter. Criteria: Invitae Variant Classification Sherloc (09022015). Collection method: clinical testing. Allele origin: germline.
Comment: This sequence change replaces cysteine, which is neutral and slightly polar, with arginine, which is basic and polar, at codon 215 of the FN1 protein (p.Cys215Arg). This variant is not present in population databases (gnomAD no frequency). This missense change has been observed in individual(s) with clinical features of spondylometaphyseal dysplasia-corner fracture type (Invitae). It has also been observed to segregate with disease in related individuals. Advanced modeling of protein sequence and biophysical properties (such as structural, functional, and spatial information, amino acid conservation, physicochemical variation, residue mobility, and thermodynamic stability) has been performed at Invitae for this missense variant, however the output from this modeling did not meet the statistical confidence thresholds required to predict the impact of this variant on FN1 protein function. In summary, the available evidence is currently insufficient to determine the role of this variant in disease. Therefore, it has been classified as a Variant of Uncertain Significance.

NM_212482.4(FN1):c.643T>C (p.Cys215Arg)

Gene: FN1 (fibronectin 1; minus strand). Cytogenetic location: 2q35.
Variant type: single nucleotide variant.
Coding change: c.643T>C on transcript NM_212482.4 (MANE Select); coding-DNA position 643, T replaced by C.
Protein change: p.Cys215Arg; replaces cysteine 215 with arginine.
Molecular consequence: missense variant.
Genome position (GRCh38, 1-based): chr2:215,430,757, A>G on the plus strand (T>C on the coding strand, the complement: FN1 is on the minus strand). VCF-style: chr2-215430757-A-G. GRCh37 (hg19) VCF-style: chr2-216295480-A-G.
Other names: c.643T>C, p.Cys215Arg (NM_001306129.2, NM_001306130.2, NM_001306131.2 and 14 more transcripts); short protein forms C215R.
Identifiers: ClinVar variation 2837997 (VCV002837997.3), dbSNP rs2470508307, ClinGen allele CA350475437.